The following is an entry in ClinVar:

ClinVar aggregate classification (germline): Benign/Likely benign. Review status: criteria provided, multiple submitters, no conflicts (2 of 4 stars). 2 submissions from 2 submitters: Benign (1); Likely benign (1). Last evaluated 2024-09-06.

Conditions:
Familial cancer of breast. Also called: BREAST CANCER, FAMILIAL; Hereditary breast cancer; hereditary breast carcinoma. Identifiers: Orphanet 227535, MedGen C0346153, MONDO:0016419, OMIM 114480. Disease mechanism: loss of function.
Fanconi anemia complementation group J. Also called: BRIP1-Related Fanconi Anemia. Identifiers: Orphanet 84, MedGen C1836860, MONDO:0012187, OMIM 609054.

Submissions (2):

Myriad Genetics, Inc.
Classification: Benign for Familial cancer of breast. Last evaluated: 2024-09-06. Review status: criteria provided, single submitter. Criteria: Myriad Autosomal Dominant, Autosomal Recessive and X-Linked Classification Criteria (2023). Collection method: clinical testing. Allele origin: unknown.
Comment: This variant is considered benign. This variant is a silent/synonymous amino acid change and it is not expected to impact splicing.

Labcorp Genetics (formerly Invitae), Labcorp
Classification: Likely benign for Familial cancer of breast; Fanconi anemia complementation group J. Last evaluated: 2023-03-04. Review status: criteria provided, single submitter. Criteria: Invitae Variant Classification Sherloc (09022015). Collection method: clinical testing. Allele origin: germline.

NM_032043.3(BRIP1):c.2817A>G (p.Ala939=)

Gene: BRIP1 (BRCA1 interacting DNA helicase 1; minus strand). Cytogenetic location: 17q23.2.
Variant type: single nucleotide variant.
Coding change: c.2817A>G on transcript NM_032043.3 (MANE Select); coding-DNA position 2817, A replaced by G.
Protein change: p.Ala939=; no amino-acid change (alanine 939 retained).
Molecular consequence: synonymous variant.
Genome position (GRCh38, 1-based): chr17:61,685,924, T>C on the plus strand (A>G on the coding strand, the complement: BRIP1 is on the minus strand). VCF-style: chr17-61685924-T-C. GRCh37 (hg19) VCF-style: chr17-59763285-T-C.
Identifiers: ClinVar variation 2944954 (VCV002944954.4), dbSNP rs2544570776, ClinGen allele CA501335639.
Genomic context (GRCh38, chr17:61,685,924, plus strand): 5'-TGGTAGAGGTGAATTTTTGGTAATAATTTTAGGACACTGTAGTTCCTGGACACATATCTT[T>C]GCTTCATCTTCCACAAAATTTTCTGGTGATAGATGACTTGCTGCTTCCAGTAAATAAGGT-3'
Protein context (NP_114432.2, residues 929-949): LSPENFVEDE[Ala939=]KICVQELQCP